The following is an entry in ClinVar:

ClinVar aggregate classification (germline): Conflicting classifications of pathogenicity. Review status: criteria provided, conflicting classifications (1 of 4 stars). 2 submissions from 2 submitters: Uncertain significance (1); Likely benign (1). Last evaluated 2024-11-04.

Submissions (2):

Labcorp Genetics (formerly Invitae), Labcorp
Classification: Uncertain significance. Last evaluated: 2024-11-04. Review status: criteria provided, single submitter. Criteria: Invitae Variant Classification Sherloc (09022015). Collection method: clinical testing. Allele origin: germline.
Comment: This sequence change replaces alanine, which is neutral and non-polar, with threonine, which is neutral and polar, at codon 1239 of the ARHGEF10 protein (p.Ala1239Thr). This variant is present in population databases (rs373928792, gnomAD 0.01%). This variant has not been reported in the literature in individuals affected with ARHGEF10-related conditions. ClinVar contains an entry for this variant (Variation ID: 2276127). Invitae Evidence Modeling of protein sequence and biophysical properties (such as structural, functional, and spatial information, amino acid conservation, physicochemical variation, residue mobility, and thermodynamic stability) indicates that this missense variant is not expected to disrupt ARHGEF10 protein function with a negative predictive value of 80%. In summary, the available evidence is currently insufficient to determine the role of this variant in disease. Therefore, it has been classified as a Variant of Uncertain Significance.

Ambry Genetics
Classification: Likely benign. Last evaluated: 2022-02-10. Review status: criteria provided, single submitter. Criteria: Ambry Variant Classification Scheme 2023. Collection method: clinical testing. Allele origin: germline.

NM_014629.4(ARHGEF10):c.3715G>A (p.Ala1239Thr)

Gene: ARHGEF10 (Rho guanine nucleotide exchange factor 10; plus strand). Cytogenetic location: 8p23.3.
Variant type: single nucleotide variant.
Coding change: c.3715G>A on transcript NM_014629.4 (MANE Select); coding-DNA position 3715, G replaced by A.
Protein change: p.Ala1239Thr; replaces alanine 1239 with threonine.
Molecular consequence: missense variant.
Genome position (GRCh38, 1-based): chr8:1,956,943, G>A. VCF-style: chr8-1956943-G-A. GRCh37 (hg19) VCF-style: chr8-1905109-G-A.
Other names: c.3601G>A, p.Ala1201Thr (NM_001308152.2); c.3715G>A, p.Ala1239Thr (NM_001308153.3); short protein forms A1263T, A1201T, A1239T.
Identifiers: ClinVar variation 2276127 (VCV002276127.5), dbSNP rs373928792, ClinGen allele CA4601471.